The following is an entry in ClinVar:

ClinVar aggregate classification (germline): Uncertain significance (1 of 4 stars; one submission).

Conditions:
Proteinuria, chronic benign. Identifiers: MedGen C5394384, MONDO:0030042, OMIM 618884.

Submission:

Victorian Clinical Genetics Services, Murdoch Childrens Research Institute
Classification: Uncertain significance for Proteinuria, chronic benign. Last evaluated: 2023-07-17. Review status: criteria provided, single submitter. Criteria: ACMG Guidelines, 2015. Collection method: clinical testing. Allele origin: germline. Inheritance: Autosomal recessive inheritance. Affected: yes.
Comment: Based on the classification scheme VCGS_Germline_v1.3.4, this variant is classified as VUS-3A. Following criteria are met: 0102 - Loss of function is a known mechanism of disease in this gene and is associated with chronic benign proteinuria (MIM#618884) and Imerslund-Grasbeck syndrome 1 (MIM#261100). (I) 0106 - This gene is associated with autosomal recessive disease. (I) 0200 - Variant is predicted to result in a missense amino acid change from proline to serine. (I) 0251 - This variant is heterozygous. (I) 0301 - Variant is absent from gnomAD (both v2 and v3). (SP) 0309 - An alternative amino acid change at the same position has been observed in gnomAD (v2) (94 heterozygotes, 0 homozygotes). (I) 0502 - Missense variant with conflicting in silico predictions and uninformative conservation. (I) 0600 - Variant is located in the annotated CUB repeat 8 domain (DECIPHER, UniProt). (I) 0703 - Another missense variant comparable to the one identified in this case has moderate previous evidence for pathogenicity. This variant (p.(Pro1297Leu)) is described as a Finnish founder, and has been observed in many homozygous individuals with megaloblastic anaemia (PMID: 10080186, PMID: 31613795). (SP) 0807 - This variant has no previous evidence of pathogenicity. (I) 0905 - No published segregation evidence has been identified for this variant. (I) 1007 - No published functional evidence has been identified for this variant. (I) 1208 - Inheritance information for this variant is not currently available in this individual. (I) Legend: (SP) - Supporting pathogenic, (I) - Information, (SB) - Supporting benign

Literature cited by the submitters: PubMed 10080186; PubMed 31613795.

NM_001081.4(CUBN):c.3889C>T (p.Pro1297Ser)

Gene: CUBN (cubilin; minus strand). Cytogenetic location: 10p13.
Variant type: single nucleotide variant.
Coding change: c.3889C>T on transcript NM_001081.4 (MANE Select); coding-DNA position 3889, C replaced by T.
Protein change: p.Pro1297Ser; replaces proline 1297 with serine.
Molecular consequence: missense variant.
Genome position (GRCh38, 1-based): chr10:17,041,161, G>A on the plus strand (C>T on the coding strand, the complement: CUBN is on the minus strand). VCF-style: chr10-17041161-G-A. GRCh37 (hg19) VCF-style: chr10-17083160-G-A.
Other names: short protein forms P1297S.
Identifiers: ClinVar variation 3254665 (VCV003254665.1), dbSNP rs2491931442.